The following is an entry in ClinVar:

NM_004082.5(DCTN1):c.2963A>T (p.Asp988Val)

Gene: DCTN1 (dynactin subunit 1; minus strand). Cytogenetic location: 2p13.1.
Variant type: single nucleotide variant.
Coding change: c.2963A>T on transcript NM_004082.5 (MANE Select); coding-DNA position 2963, A replaced by T.
Protein change: p.Asp988Val; replaces aspartic acid 988 with valine.
Molecular consequence: missense variant. On other transcripts: non-coding transcript variant (1).
Genome position (GRCh38, 1-based): chr2:74,365,581, T>A on the plus strand (A>T on the coding strand, the complement: DCTN1 is on the minus strand). VCF-style: chr2-74365581-T-A. GRCh37 (hg19) VCF-style: chr2-74592708-T-A.
Other names: c.2903A>T, p.Asp968Val (NM_001135040.3); c.2561A>T, p.Asp854Val (NM_001135041.3, NM_023019.4); c.2852A>T, p.Asp951Val (NM_001190836.2); c.2942A>T, p.Asp981Val (NM_001190837.2); c.2912A>T, p.Asp971Val (NM_001378991.1); c.2894A>T, p.Asp965Val (NM_001378992.1); short protein forms D854V, D971V, D981V, D951V, D965V, D988V, D968V.
Identifiers: ClinVar variation 2934443 (VCV002934443.3), dbSNP rs376868584, ClinGen allele CA50474791.
Genomic context (GRCh38, chr2:74,365,581, plus strand): 5'-TTCTTTCGCAGCAGTGCCTGGGTCTCCTCCAGCCGAGTCTGGACTTTCTCGATGCGCTCA[T>A]CTGCATCCTTGGCAGCACTGTCCAACTTCTTCTCCAGGAGGCTCAGCCGCACATTGGCCT-3'
Protein context (NP_004073.2, residues 978-998): KKLDSAAKDA[Asp988Val]ERIEKVQTRL

ClinVar aggregate classification (germline): Uncertain significance (1 of 4 stars; one submission).

Conditions:
Amyotrophic lateral sclerosis type 1 (ALS1). Also called: AMYOTROPHIC LATERAL SCLEROSIS 1, FAMILIAL. Identifiers: Orphanet 803, MedGen C1862939, MONDO:0007103, OMIM 105400.
Neuronopathy, distal hereditary motor, type 7B. Also called: HMN VIIB; LOWER MOTOR NEURON DISEASE, DYNACTIN TYPE; NEURONOPATHY, DISTAL HEREDITARY MOTOR, AUTOSOMAL DOMINANT 14; NEURONOPATHY, DISTAL HEREDITARY MOTOR, HARDING TYPE VIIB; NEUROPATHY, DISTAL HEREDITARY MOTOR, HARDING TYPE VIIB; NEUROPATHY, DISTAL HEREDITARY MOTOR, WITH VOCAL CORD PARALYSIS, HARDING TYPE VIIB. Identifiers: Orphanet 139589, MedGen C1843315, MONDO:0011879, OMIM 607641.
Perry syndrome. Also called: PARKINSONISM WITH ALVEOLAR HYPOVENTILATION AND MENTAL DEPRESSION. Identifiers: Orphanet 178509, MedGen C1868594, MONDO:0008201, OMIM 168605.

Allele frequency attached by ClinVar (database versions not stated): gnomAD exomes below 0.00001; TOPMed 0.00001; gnomAD 0.00002; ESP Exome Variant Server 0.00008.
gnomAD v4.1: 7 of 1,614,050 alleles (0.00043%); highest among the groups gnomAD compares: Non-Finnish European, 0.00059%; no homozygotes.

Submission:

Labcorp Genetics (formerly Invitae), Labcorp
Classification: Uncertain significance for Amyotrophic lateral sclerosis type 1; Neuronopathy, distal hereditary motor, type 7B; Perry syndrome. Last evaluated: 2024-06-11. Review status: criteria provided, single submitter. Criteria: Invitae Variant Classification Sherloc (09022015). Collection method: clinical testing. Allele origin: germline.
Comment: This sequence change replaces aspartic acid, which is acidic and polar, with valine, which is neutral and non-polar, at codon 988 of the DCTN1 protein (p.Asp988Val). This variant is present in population databases (rs376868584, gnomAD 0.007%). This variant has not been reported in the literature in individuals affected with DCTN1-related conditions. Advanced modeling of protein sequence and biophysical properties (such as structural, functional, and spatial information, amino acid conservation, physicochemical variation, residue mobility, and thermodynamic stability) performed at Invitae indicates that this missense variant is expected to disrupt DCTN1 protein function with a positive predictive value of 80%. In summary, the available evidence is currently insufficient to determine the role of this variant in disease. Therefore, it has been classified as a Variant of Uncertain Significance.